The following is an entry in ClinVar:

NM_001429.4(EP300):c.480G>C (p.Gln160His)

Gene: EP300 (EP300 lysine acetyltransferase; plus strand). Cytogenetic location: 22q13.2.
Variant type: single nucleotide variant.
Coding change: c.480G>C on transcript NM_001429.4 (MANE Select); coding-DNA position 480, G replaced by C.
Protein change: p.Gln160His; replaces glutamine 160 with histidine.
Molecular consequence: missense variant.
Genome position (GRCh38, 1-based): chr22:41,117,572, G>C. VCF-style: chr22-41117572-G-C. GRCh37 (hg19) VCF-style: chr22-41513576-G-C.
Other names: c.480G>C, p.Gln160His (NM_001362843.2); short protein forms Q160H.
Identifiers: ClinVar variation 4803201 (VCV004803201.1).

ClinVar aggregate classification (germline): Uncertain significance (1 of 4 stars; one submission).

Conditions:
Rubinstein-Taybi syndrome due to EP300 haploinsufficiency. Also called: EP300-Related Rubinstein-Taybi Syndrome; RUBINSTEIN-TAYBI SYNDROME 2. Identifiers: Orphanet 353284, Orphanet 783, MedGen C3150941, MONDO:0013364, OMIM 613684.

Submission:

Labcorp Genetics (formerly Invitae), Labcorp
Classification: Uncertain significance for Rubinstein-Taybi syndrome due to EP300 haploinsufficiency. Last evaluated: 2025-07-27. Review status: criteria provided, single submitter. Criteria: Invitae Variant Classification Sherloc (09022015). Collection method: clinical testing. Allele origin: germline.
Comment: This sequence change replaces glutamine, which is neutral and polar, with histidine, which is basic and polar, at codon 160 of the EP300 protein (p.Gln160His). This variant is not present in population databases (gnomAD no frequency). This variant has not been reported in the literature in individuals affected with EP300-related conditions. Invitae Evidence Modeling of protein sequence and biophysical properties (such as structural, functional, and spatial information, amino acid conservation, physicochemical variation, residue mobility, and thermodynamic stability) indicates that this missense variant is not expected to disrupt EP300 protein function with a negative predictive value of 95%. In summary, the available evidence is currently insufficient to determine the role of this variant in disease. Therefore, it has been classified as a Variant of Uncertain Significance.